The following is an entry in ClinVar:

NM_002029.4(FPR1):c.576T>C (p.Asn192=)

Gene: FPR1 (formyl peptide receptor 1; minus strand). Cytogenetic location: 19q13.41.
Variant type: single nucleotide variant.
Coding change: c.576T>C on transcript NM_002029.4 (MANE Select); coding-DNA position 576, T replaced by C.
Protein change: p.Asn192=; no amino-acid change (asparagine 192 retained).
Molecular consequence: synonymous variant.
Genome position (GRCh38, 1-based): chr19:51,746,419, A>G on the plus strand (T>C on the coding strand, the complement: FPR1 is on the minus strand). VCF-style: chr19-51746419-A-G. GRCh37 (hg19) VCF-style: chr19-52249672-A-G.
Other names: c.576T>C, p.Asn192= (NM_001193306.2).
Identifiers: ClinVar variation 1168164 (VCV001168164.13), dbSNP rs1042229, ClinGen allele CA9616429.

ClinVar aggregate classification (germline): Benign. Review status: criteria provided, multiple submitters, no conflicts (2 of 4 stars). 2 submissions from 2 submitters: Benign (2). Last evaluated 2026-02-04.

Conditions:
Gingival disorder. Also called: Gingival disease. Identifiers: MedGen C0017563, MONDO:0002021.

Allele frequency attached by ClinVar (database versions not stated): 1000 Genomes Project 30x 0.12477; 1000 Genomes Project 0.13219.
gnomAD v4.1: 207,512 of 1,613,884 alleles (13%); highest among the groups gnomAD compares: South Asian, 18%; 14,053 homozygotes.

Submissions (2):

Labcorp Genetics (formerly Invitae), Labcorp
Classification: Benign for Gingival disorder. Last evaluated: 2026-02-04. Review status: criteria provided, single submitter. Criteria: Invitae Variant Classification Sherloc (09022015). Collection method: clinical testing. Allele origin: germline.

Breakthrough Genomics
Classification: Benign. Review status: criteria provided, single submitter. Criteria: ACMG Guidelines, 2015. Collection method: not provided. Allele origin: germline. Inheritance: Unknown mechanism. Affected: yes.